The following is an entry in ClinVar:

NM_000237.3(LPL):c.987C>A (p.Tyr329Ter)

Gene: LPL (lipoprotein lipase; plus strand). Cytogenetic location: 8p21.3.
Variant type: single nucleotide variant.
Coding change: c.987C>A on transcript NM_000237.3 (MANE Select); coding-DNA position 987, C replaced by A.
Protein change: p.Tyr329Ter; replaces tyrosine 329 with a stop codon.
Molecular consequence: nonsense.
Genome position (GRCh38, 1-based): chr8:19,956,052, C>A. VCF-style: chr8-19956052-C-A. GRCh37 (hg19) VCF-style: chr8-19813563-C-A.
Other names: Y302*; short protein forms Y329*.
Identifiers: ClinVar variation 1556 (VCV000001556.3), dbSNP rs118204081, ClinGen allele CA115039.

ClinVar aggregate classification (germline): Pathogenic. Review status: criteria provided, multiple submitters, no conflicts (2 of 4 stars). 4 submissions from 3 submitters: Pathogenic (2). 2 of the submissions do not count toward it. Last evaluated 2022-09-02.

Conditions:
LIPOPROTEIN LIPASE (OLBIA).
Hyperlipoproteinemia, type I. Also called: Lipoprotein Lipase Deficiency; Lipase D deficiency; Familial Lipoprotein Lipase Deficiency; Hyperlipoproteinemia type 1; Hyperchylomicro-nemia familial; Familial chylomicronemia. Identifiers: Orphanet 309015, Orphanet 444490, MedGen C0023817, MONDO:0009387, OMIM 238600. Disease mechanism: loss of function.

Allele frequency attached by ClinVar (database versions not stated): gnomAD exomes below 0.00001.
gnomAD v4.1: 1 of 1,614,122 alleles (0.000062%); highest among the groups gnomAD compares: South Asian, 0.0011%; no homozygotes.

Submissions (4):

Victorian Clinical Genetics Services, Murdoch Childrens Research Institute
Classification: Pathogenic for Hyperlipoproteinemia, type I. Last evaluated: 2022-09-02. Review status: criteria provided, single submitter. Criteria: ACMG Guidelines, 2015. Collection method: clinical testing. Allele origin: germline. Inheritance: Autosomal recessive inheritance. Affected: yes.
Comment: Based on the classification scheme VCGS_Germline_v1.3.4, this variant is classified as a Pathogenic. Following criteria are met: 0102 - Loss of function is a known mechanism of disease in this gene and is associated with dominant familial combined hyperlipidaemia (MIM#144250) and recessive lipoprotein lipase deficiency (MIM#238600) known as type I hyperlipoproteinaemia (T1HLP). (I) 0108 - This gene is associated with both recessive and dominant disease (OMIM). (I) 0115 - Variants in this gene are known to have variable expressivity (PMID: 12204001). (I) 0201 - Variant is predicted to cause nonsense-mediated decay (NMD) and loss of protein (premature termination codon is located at least 54 nucleotides upstream of the final exon-exon junction). (SP) 0252 - This variant is homozygous. (I) 0301 - Variant is absent from gnomAD (both v2 and v3). (SP) 0701 - Other NMD predicted variants comparable to the one identified in this case have very strong previous evidence for pathogenicity (DECIPHER, PMID: 27055971). (SP) 0802 - This variant has moderate previous evidence of pathogenicity in unrelated individuals. This variant has been classified as pathogenic by a clinical laboratory in ClinVar and observed as homozygous in at least three individuals with lipoprotein lipase deficiency (PMIDs: 10735636, 29748148, 25966443). (I) Legend: (SP) - Supporting pathogenic, (I) - Information, (SB) - Supporting benign

CENTOGENE GmbH and LLC - Guiding Precision Medicine
Classification: Pathogenic for Lipoprotein lipase deficiency. Review status: criteria provided, single submitter. Criteria: ACMG Guidelines, 2015. Collection method: clinical testing. Allele origin: germline. Affected: yes.

OMIM
Classification: Pathogenic for LIPOPROTEIN LIPASE DEFICIENCY. Last evaluated: 2000-02-01. Review status: no assertion criteria provided. Collection method: literature only. Allele origin: germline. Not counted in ClinVar's aggregate classification.

OMIM
Classification: Pathogenic for LIPOPROTEIN LIPASE (OLBIA). Last evaluated: 2000-02-01. Review status: no assertion criteria provided. Collection method: literature only. Allele origin: germline. Not counted in ClinVar's aggregate classification.

Literature cited by the submitters: PubMed 10735636 (cited by Victorian Clinical Genetics Services, Murdoch Childrens Research Institute and OMIM); PubMed 25966443 (cited by Victorian Clinical Genetics Services, Murdoch Childrens Research Institute); PubMed 27055971 (cited by Victorian Clinical Genetics Services, Murdoch Childrens Research Institute); PubMed 29748148 (cited by Victorian Clinical Genetics Services, Murdoch Childrens Research Institute); PubMed 12204001 (cited by Victorian Clinical Genetics Services, Murdoch Childrens Research Institute).